The following is an entry in ClinVar:

NM_001243925.2(MAPKAPK3):c.165C>A (p.Asn55Lys)

Gene: MAPKAPK3 (MAPK activated protein kinase 3; plus strand). Cytogenetic location: 3p21.2.
Variant type: single nucleotide variant.
Coding change: c.165C>A on transcript NM_001243925.2 (MANE Select); coding-DNA position 165, C replaced by A.
Protein change: p.Asn55Lys; replaces asparagine 55 with lysine.
Molecular consequence: missense variant.
Genome position (GRCh38, 1-based): chr3:50,617,730, C>A. VCF-style: chr3-50617730-C-A. GRCh37 (hg19) VCF-style: chr3-50655161-C-A.
Other names: c.165C>A, p.Asn55Lys (NM_001243926.2, NM_004635.5); short protein forms N55K.
Identifiers: ClinVar variation 1722247 (VCV001722247.5), dbSNP rs1172916445, ClinGen allele CA352961602.

ClinVar aggregate classification (germline): Uncertain significance (1 of 4 stars; one submission).

Submission:

Labcorp Genetics (formerly Invitae), Labcorp
Classification: Uncertain significance. Last evaluated: 2025-04-17. Review status: criteria provided, single submitter. Criteria: Invitae Variant Classification Sherloc (09022015). Collection method: clinical testing. Allele origin: germline.
Comment: This sequence change replaces asparagine, which is neutral and polar, with lysine, which is basic and polar, at codon 55 of the MAPKAPK3 protein (p.Asn55Lys). This variant is not present in population databases (gnomAD no frequency). This variant has not been reported in the literature in individuals affected with MAPKAPK3-related conditions. ClinVar contains an entry for this variant (Variation ID: 1722247). An algorithm developed to predict the effect of missense changes on protein structure and function (PolyPhen-2) suggests that this variant is likely to be tolerated. In summary, the available evidence is currently insufficient to determine the role of this variant in disease. Therefore, it has been classified as a Variant of Uncertain Significance.